The following is an entry in ClinVar:

ClinVar aggregate classification (germline): Uncertain significance (1 of 4 stars; one submission).

Submission:

GeneDx
Classification: Uncertain significance. Last evaluated: 2024-09-11. Review status: criteria provided, single submitter. Criteria: GeneDx Variant Classification Process June 2021. Collection method: clinical testing. Allele origin: germline. Affected: yes.
Comment: Not observed at significant frequency in large population cohorts (gnomAD); In-frame duplication of 1 amino acid in a non-repeat region; Has not been previously published as pathogenic or benign to our knowledge

NM_002693.3(POLG):c.1603GAG[5] (p.Glu538_Phe539insGlu)

Gene: POLG (DNA polymerase gamma, catalytic subunit; minus strand). Cytogenetic location: 15q26.1.
Variant type: Microsatellite.
Coding change: c.1603GAG[5] on transcript NM_002693.3 (MANE Select); five copies in a row of the 3-base unit GAG starting at c.1603; the reference has four copies in a row; one copy, 3 bases duplicated; also written c.1612_1614dup.
Protein change: p.Glu538_Phe539insGlu.
Molecular consequence: inframe indel (on NM_002693.2).
Genome position (GRCh38, 1-based): chr15:89,326,710-89,326,712, CTC duplicated on the plus strand (GAG on the coding strand, the reverse complement: POLG is on the minus strand); duplicating any 3 consecutive bases within chr15:89,326,710-89,326,721 gives the same sequence; the position shown is the placement nearest the transcript's 3' end. VCF-style (leftmost placement, unchanged base first): chr15-89326709-A-ACTC. GRCh37 (hg19) VCF-style: chr15-89869940-A-ACTC.
Other names: c.1603GAG[5], p.Glu538_Phe539insGlu (NM_001126131.2); c.1603_1605GAG[5], p.Glu538_Phe539insGlu (NM_002693.2); c.1612_1614dup (NM_002693.2).
Identifiers: ClinVar variation 3770082 (VCV003770082.1).